The following is an entry in ClinVar:

ClinVar aggregate classification (germline): Uncertain significance. Review status: criteria provided, multiple submitters, no conflicts (2 of 4 stars). 2 submissions from 2 submitters: Uncertain significance (2). Last evaluated 2025-01-02.

Conditions:
Inborn genetic diseases. Identifiers: MedGen C0950123, MeSH D030342.

Allele frequency attached by ClinVar (database versions not stated): gnomAD 0.00001 and 0.00003; TOPMed 0.00006; ESP Exome Variant Server 0.00008.
gnomAD v4.1: 45 of 1,613,930 alleles (0.0028%); highest among the groups gnomAD compares: Admixed American, 0.023%; no homozygotes.

Submissions (2):

Ambry Genetics
Classification: Uncertain significance for Inborn genetic diseases. Last evaluated: 2025-01-02. Review status: criteria provided, single submitter. Criteria: Ambry Variant Classification Scheme 2023. Collection method: clinical testing. Allele origin: germline.

Labcorp Genetics (formerly Invitae), Labcorp
Classification: Uncertain significance. Last evaluated: 2024-10-29. Review status: criteria provided, single submitter. Criteria: Invitae Variant Classification Sherloc (09022015). Collection method: clinical testing. Allele origin: germline.
Comment: This sequence change replaces threonine with asparagine at codon 252 of the ADSSL1 protein (p.Thr252Asn). There is a small physicochemical difference between threonine and asparagine. This variant is present in population databases (rs144265214, gnomAD 0.03%). This variant has not been reported in the literature in individuals affected with ADSSL1-related conditions. ClinVar contains an entry for this variant (Variation ID: 1681948). An algorithm developed to predict the effect of missense changes on protein structure and function (PolyPhen-2) suggests that this variant is likely to be tolerated. In summary, the available evidence is currently insufficient to determine the role of this variant in disease. Therefore, it has been classified as a Variant of Uncertain Significance.

NM_152328.5(ADSS1):c.626C>A (p.Thr209Asn)

Gene: ADSS1 (adenylosuccinate synthase 1; plus strand). Cytogenetic location: 14q32.33.
Variant type: single nucleotide variant.
Coding change: c.626C>A on transcript NM_152328.5 (MANE Select); coding-DNA position 626, C replaced by A.
Protein change: p.Thr209Asn; replaces threonine 209 with asparagine.
Molecular consequence: missense variant.
Genome position (GRCh38, 1-based): chr14:104,740,880, C>A. VCF-style: chr14-104740880-C-A. GRCh37 (hg19) VCF-style: chr14-105207217-C-A.
Other names: c.755C>A (NM_199165.1); c.11C>A, p.Thr4Asn (NM_001320424.1); c.755C>A, p.Thr252Asn (NM_199165.2); short protein forms T209N, T252N, T4N.
Identifiers: ClinVar variation 1681948 (VCV001681948.6), dbSNP rs144265214, ClinGen allele CA7373781.